The following is an entry in ClinVar:

NM_017780.4(CHD7):c.8044G>A (p.Ala2682Thr)

Gene: CHD7 (chromodomain helicase DNA binding protein 7; plus strand). Cytogenetic location: 8q12.2.
Variant type: single nucleotide variant.
Coding change: c.8044G>A on transcript NM_017780.4 (MANE Select); coding-DNA position 8044, G replaced by A.
Protein change: p.Ala2682Thr; replaces alanine 2682 with threonine.
Molecular consequence: missense variant.
Genome position (GRCh38, 1-based): chr8:60,862,620, G>A. VCF-style: chr8-60862620-G-A. GRCh37 (hg19) VCF-style: chr8-61775179-G-A.
Other names: c.1897G>A, p.Ala633Thr (NM_001316690.1); short protein forms A633T, A2682T.
Identifiers: ClinVar variation 4745543 (VCV004745543.1).

ClinVar aggregate classification (germline): Uncertain significance (1 of 4 stars; one submission).

Conditions:
CHARGE syndrome (CHARGE). Also called: Hittner Hirsch Kreh syndrome; CHARGE ASSOCIATION--COLOBOMA, HEART ANOMALY, CHOANAL ATRESIA, RETARDATION, GENITAL AND EAR ANOMALIES; Coloboma, heart anomaly, choanal atresia, retardation, genital and ear anomalies; CHARGE association; Hall-Hittner syndrome. Identifiers: Orphanet 138, MedGen C0265354, MONDO:0008965.

Submission:

Labcorp Genetics (formerly Invitae), Labcorp
Classification: Uncertain significance for CHARGE syndrome. Last evaluated: 2025-11-13. Review status: criteria provided, single submitter. Criteria: Invitae Variant Classification Sherloc (09022015). Collection method: clinical testing. Allele origin: germline.
Comment: This sequence change replaces alanine, which is neutral and non-polar, with threonine, which is neutral and polar, at codon 2682 of the CHD7 protein (p.Ala2682Thr). This variant is not present in population databases (gnomAD no frequency). This variant has not been reported in the literature in individuals affected with CHD7-related conditions. Invitae Evidence Modeling of protein sequence and biophysical properties (such as structural, functional, and spatial information, amino acid conservation, physicochemical variation, residue mobility, and thermodynamic stability) indicates that this missense variant is not expected to disrupt CHD7 protein function with a negative predictive value of 95%. In summary, the available evidence is currently insufficient to determine the role of this variant in disease. Therefore, it has been classified as a Variant of Uncertain Significance.